The following is an entry in ClinVar:

NM_000094.4(COL7A1):c.8710dup (p.Cys2904fs)

Gene: COL7A1 (collagen type VII alpha 1 chain; minus strand). Cytogenetic location: 3p21.31.
Variant type: Duplication.
Coding change: c.8710dup on transcript NM_000094.4 (MANE Select); coding-DNA position 8710, one base duplicated (T; older notation c.8710dupT).
Protein change: p.Cys2904fs; shifts the reading frame from cysteine 2904.
Molecular consequence: frameshift variant.
Genome position (GRCh38, 1-based): chr3:48,564,891, A duplicated on the plus strand (T on the coding strand, the reverse complement: COL7A1 is on the minus strand). VCF-style (leftmost placement, unchanged base first): chr3-48564890-C-CA. GRCh37 (hg19) VCF-style: chr3-48602323-C-CA.
Other names: short protein forms C2904fs.
Identifiers: ClinVar variation 5004597 (VCV005004597.1).

ClinVar aggregate classification (germline): Pathogenic (1 of 4 stars; one submission).

Conditions:
Recessive dystrophic epidermolysis bullosa (RDEB). Also called: Epidermolysis Bullosa Distrophica Autosomal Recessive (RDEB); Recessive DEB (RDEB); DYSTROPHIC EPIDERMOLYSIS BULLOSA, AUTOSOMAL RECESSIVE; EPIDERMOLYSIS BULLOSA DYSTROPHICA, HALLOPEAU-SIEMENS TYPE; severe generalized recessive dystrophic epidermolysis bullosa; epidermolysis bullosa dystrophica, autosomal recessive. Identifiers: Orphanet 79408, Orphanet 79409, MedGen C0079474, MONDO:0009179, OMIM 226600.

Submission:

Myriad Genetics, Inc.
Classification: Pathogenic for Recessive dystrophic epidermolysis bullosa. Last evaluated: 2026-05-06. Review status: criteria provided, single submitter. Criteria: Myriad Autosomal Dominant, Autosomal Recessive and X-Linked Classification Criteria (2023). Collection method: clinical testing. Allele origin: unknown.
Comment: NM_000094.3(COL7A1):c.8710dupT(C2904Lfs*20) is a frameshift variant classified as pathogenic in the context of dystrophic epidermolysis bullosa. C2904Lfs*20 has been observed in a case with relevant disease (PMID: 22266148). Relevant functional assessments of this variant are not available in the literature. C2904Lfs*20 has not been observed in referenced population frequency databases. In summary, NM_000094.3(COL7A1):c.8710dupT(C2904Lfs*20) is a frameshift variant in a gene where loss of function is a known mechanism of disease, is predicted to disrupt protein function, and has been observed more frequently in cases with the relevant disease than in healthy populations. Please note: this variant was assessed in the context of healthy population screening.

Literature cited by the submitters: PubMed 22266148.